The following is an entry in ClinVar:

NM_001010874.5(TECRL):c.881T>G (p.Met294Arg)

Gene: TECRL (trans-2,3-enoyl-CoA reductase like; minus strand). Cytogenetic location: 4q13.1.
Variant type: single nucleotide variant.
Coding change: c.881T>G on transcript NM_001010874.5 (MANE Select); coding-DNA position 881, T replaced by G.
Protein change: p.Met294Arg; replaces methionine 294 with arginine.
Molecular consequence: missense variant.
Genome position (GRCh38, 1-based): chr4:64,281,511, A>C on the plus strand (T>G on the coding strand, the complement: TECRL is on the minus strand). VCF-style: chr4-64281511-A-C. GRCh37 (hg19) VCF-style: chr4-65147229-A-C.
Other names: c.881T>G, p.Met294Arg (NM_001363796.1); short protein forms M294R.
Identifiers: ClinVar variation 3232352 (VCV003232352.1), dbSNP rs1210435868, ClinGen allele CA357043643.

ClinVar aggregate classification (germline): Uncertain significance (1 of 4 stars; one submission).

Conditions:
Cardiovascular phenotype. Identifiers: MedGen CN230736.

Allele frequency attached by ClinVar (database versions not stated): TOPMed 0.00001.

Submission:

Ambry Genetics
Classification: Uncertain significance for Cardiovascular phenotype. Last evaluated: 2023-09-20. Review status: criteria provided, single submitter. Criteria: Ambry Variant Classification Scheme 2023. Collection method: clinical testing. Allele origin: germline.
Comment: The p.M294R variant (also known as c.881T>G), located in coding exon 10 of the TECRL gene, results from a T to G substitution at nucleotide position 881. The methionine at codon 294 is replaced by arginine, an amino acid with similar properties. This amino acid position is poorly conserved in available vertebrate species. In addition, this alteration is predicted to be tolerated by in silico analysis. Since supporting evidence is limited at this time, the clinical significance of this alteration remains unclear.